The following is an entry in ClinVar:

NM_080680.3(COL11A2):c.4265C>G (p.Pro1422Arg)

Gene: COL11A2 (collagen type XI alpha 2 chain; minus strand). Cytogenetic location: 6p21.32.
Variant type: single nucleotide variant.
Coding change: c.4265C>G on transcript NM_080680.3 (MANE Select); coding-DNA position 4265, C replaced by G.
Protein change: p.Pro1422Arg; replaces proline 1422 with arginine.
Molecular consequence: missense variant.
Genome position (GRCh38, 1-based): chr6:33,166,793, G>C on the plus strand (C>G on the coding strand, the complement: COL11A2 is on the minus strand). VCF-style: chr6-33166793-G-C. GRCh37 (hg19) VCF-style: chr6-33134570-G-C.
Other names: c.4085C>G, p.Pro1362Arg (NM_001424108.1); c.3419C>G, p.Pro1140Arg (NM_001424109.1); c.3239C>G, p.Pro1080Arg (NM_001424110.1, NM_001424111.1); c.2219C>G, p.Pro740Arg (NM_001424112.1); c.3944C>G, p.Pro1315Arg (NM_080679.3); c.4007C>G, p.Pro1336Arg (NM_080681.3); short protein forms P1362R, P1080R, P1315R, P1422R, P740R, P1140R, P1336R.
Identifiers: ClinVar variation 5008496 (VCV005008496.1).

ClinVar aggregate classification (germline): Uncertain significance (1 of 4 stars; one submission).

Submission:

GeneDx
Classification: Uncertain significance. Last evaluated: 2026-02-25. Review status: criteria provided, single submitter. Criteria: GeneDx Variant Classification Process June 2021. Collection method: clinical testing. Allele origin: germline.
Comment: Not observed at significant frequency in large population cohorts (gnomAD); In silico analysis supports that this missense variant has a deleterious effect on protein structure/function; Has not been previously published as pathogenic or benign to our knowledge